The following is an entry in ClinVar:

ClinVar aggregate classification (germline): Uncertain significance. Review status: criteria provided, multiple submitters, no conflicts (2 of 4 stars). 2 submissions from 2 submitters: Uncertain significance (2). Last evaluated 2025-10-01.

Conditions:
Deafness-lymphedema-leukemia syndrome. Also called: Emberger syndrome; Lymphedema, primary, with myelodysplasia. Identifiers: Orphanet 3226, MedGen C3279664, MONDO:0013540, OMIM 614038.
Monocytopenia with susceptibility to infections. Also called: GATA2 DEFICIENCY; IMMUNODEFICIENCY 21; MONOCYTOPENIA AND MYCOBACTERIAL INFECTION SYNDROME; MONOCYTOPENIA WITH SUSCEPTIBILITY TO MYCOBACTERIAL, FUNGAL, AND PAPILLOMAVIRUS INFECTIONS AND MYELODYSPLASIA; COMBINED IMMUNODEFICIENCY WITH SUSCEPTIBILITY TO MYCOBACTERIAL, VIRAL, AND FUNGAL INFECTIONS; Dendritic cell, monocyte, B lymphocyte, and natural killer lymphocyte deficiency. Identifiers: Orphanet 228423, MedGen C3280030, MONDO:0013607, OMIM 614172.
Inborn genetic diseases. Identifiers: MedGen C0950123, MeSH D030342.

Submissions (2):

Labcorp Genetics (formerly Invitae), Labcorp
Classification: Uncertain significance for Monocytopenia with susceptibility to infections; Deafness-lymphedema-leukemia syndrome. Last evaluated: 2025-10-01. Review status: criteria provided, single submitter. Criteria: Invitae Variant Classification Sherloc (09022015). Collection method: clinical testing. Allele origin: germline.
Comment: This variant, c.1024_1026dup, results in the insertion of 1 amino acid(s) of the GATA2 protein (p.Ala342dup), but otherwise preserves the integrity of the reading frame. This variant is not present in population databases (gnomAD no frequency). This variant has not been reported in the literature in individuals affected with GATA2-related conditions. ClinVar contains an entry for this variant (Variation ID: 864443). Experimental studies and prediction algorithms are not available or were not evaluated, and the functional significance of this variant is currently unknown. In summary, the available evidence is currently insufficient to determine the role of this variant in disease. Therefore, it has been classified as a Variant of Uncertain Significance.

Ambry Genetics
Classification: Uncertain significance for Inborn genetic diseases. Last evaluated: 2025-08-27. Review status: criteria provided, single submitter. Criteria: Ambry Variant Classification Scheme 2023. Collection method: clinical testing. Allele origin: germline.
Comment: The c.1024_1026dupGCC variant (also known as p.A342dup), located in coding exon 4 of the GATA2 gene, results from an in-frame duplication of GCC at nucleotide positions 1024 to 1026. This results in the duplication of an extra alanine residue between codons 342 and 343. This amino acid position is highly conserved in available vertebrate species. In addition, this variant is predicted to be deleterious by in silico analysis (Choi Y et al. PLoS ONE. 2012; 7(10):e46688). Based on the available evidence, the clinical significance of this variant remains unclear.

NM_032638.5(GATA2):c.1021GCC[3] (p.Ala342dup)

Gene: GATA2 (GATA binding protein 2; minus strand). Cytogenetic location: 3q21.3.
Variant type: Microsatellite.
Coding change: c.1021GCC[3] on transcript NM_032638.5 (MANE Select); three copies in a row of the 3-base unit GCC starting at c.1021; the reference has two copies in a row; one copy, 3 bases duplicated.
Protein change: p.Ala342dup; duplicates alanine 342.
Molecular consequence: inframe insertion. On other transcripts: intron variant (1).
Genome position (GRCh38, 1-based): chr3:128,481,936-128,481,938, GGC duplicated on the plus strand (GCC on the coding strand, the reverse complement: GATA2 is on the minus strand); duplicating any 3 consecutive bases within chr3:128,481,936-128,481,941 gives the same sequence; the position shown is the placement nearest the transcript's 3' end. VCF-style (leftmost placement, unchanged base first): chr3-128481935-T-TGGC. GRCh37 (hg19) VCF-style: chr3-128200778-T-TGGC.
Other names: c.1021GCC[3], p.Ala342dup (NM_001145661.2); c.1018-39GCC[3] (NM_001145662.1); c.1024_1026dupGCC (NM_032638.4).
Identifiers: ClinVar variation 864443 (VCV000864443.10), dbSNP rs2068635493, ClinGen allele CA916081438.